The following is an entry in ClinVar:

NC_000001.10:g.(?_11994817)_(11994932_?)dup

Gene: PLOD1 (procollagen-lysine,2-oxoglutarate 5-dioxygenase 1; plus strand). Cytogenetic location: 1p36.22.
Variant type: Duplication.
Identifiers: ClinVar variation 459798 (VCV000459798.1).

ClinVar aggregate classification (germline): Uncertain significance (1 of 4 stars; one submission).

Conditions:
Ehlers-Danlos syndrome, kyphoscoliotic type 1 (EDSKSCL1). Also called: EHLERS-DANLOS SYNDROME, TYPE VIA; Ehlers-Danlos syndrome, hydroxylysine-deficient; EHLERS-DANLOS SYNDROME, OCULAR-SCOLIOTIC TYPE; PLOD1-Related Kyphoscoliotic Ehlers-Danlos Syndrome. Identifiers: Orphanet 1900, MedGen C0268342, MONDO:0016002, OMIM 225400. Disease mechanism: loss of function.

Submission:

Labcorp Genetics (formerly Invitae), Labcorp
Classification: Uncertain significance for Ehlers-Danlos syndrome, kyphoscoliotic type 1. Last evaluated: 2017-02-28. Review status: criteria provided, single submitter. Criteria: Invitae Variant Classification Sherloc (09022015). Collection method: clinical testing. Allele origin: germline.
Comment: This variant is a gross duplication of the genomic region encompassing exon 1 of the PLOD1 gene. The 5' end of this event is unknown as it extends beyond the assayed region for this gene and therefore may encompass additional genes. The 3' boundary is likely confined to intron 1 of the PLOD1 gene. This variant is not present in population databases and has not been reported in the literature in individuals with a PLOD1-related disease. In summary, the exact genomic location of this variant is unknown and the impact of this duplication on PLOD1 protein function has not been established. Therefore, it has been classified as a Variant of Uncertain Significance.